The following is an entry in ClinVar:

ClinVar aggregate classification (germline): Conflicting classifications of pathogenicity. Review status: criteria provided, conflicting classifications (1 of 4 stars). 2 submissions from 2 submitters: Uncertain significance (1); Likely benign (1). Last evaluated 2026-01-19.

Conditions:
Neurodegeneration with brain iron accumulation 6 (NBIA6). Also called: COASY protein-associated neurodegeneration. Identifiers: Orphanet 397725, MedGen C4517377, MONDO:0014290, OMIM 615643.

Allele frequency attached by ClinVar (database versions not stated): ExAC 0.00005; gnomAD 0.00003; gnomAD exomes 0.00003; TOPMed 0.00004.
gnomAD v4.1: 23 of 1,543,514 alleles (0.0015%); highest among the groups gnomAD compares: Admixed American, 0.047%; no homozygotes.

Submissions (2):

Labcorp Genetics (formerly Invitae), Labcorp
Classification: Uncertain significance for Neurodegeneration with brain iron accumulation 6. Last evaluated: 2026-01-19. Review status: criteria provided, single submitter. Criteria: Invitae Variant Classification Sherloc (09022015). Collection method: clinical testing. Allele origin: germline.
Comment: This sequence change replaces isoleucine, which is neutral and non-polar, with valine, which is neutral and non-polar, at codon 374 of the COASY protein (p.Ile374Val). This variant is present in population databases (rs747577673, gnomAD 0.06%). This variant has not been reported in the literature in individuals affected with COASY-related conditions. ClinVar contains an entry for this variant (Variation ID: 2064885). Invitae Evidence Modeling of protein sequence and biophysical properties (such as structural, functional, and spatial information, amino acid conservation, physicochemical variation, residue mobility, and thermodynamic stability) indicates that this missense variant is not expected to disrupt COASY protein function with a negative predictive value of 80%. In summary, the available evidence is currently insufficient to determine the role of this variant in disease. Therefore, it has been classified as a Variant of Uncertain Significance.

Ambry Genetics
Classification: Likely benign. Last evaluated: 2022-04-12. Review status: criteria provided, single submitter. Criteria: Ambry Variant Classification Scheme 2023. Collection method: clinical testing. Allele origin: germline.

NM_025233.7(COASY):c.1120A>G (p.Ile374Val)

Gene: COASY (Coenzyme A synthase; plus strand). Cytogenetic location: 17q21.2.
Variant type: single nucleotide variant.
Coding change: c.1120A>G on transcript NM_025233.7 (MANE Select); coding-DNA position 1120, A replaced by G.
Protein change: p.Ile374Val; replaces isoleucine 374 with valine.
Molecular consequence: missense variant.
Genome position (GRCh38, 1-based): chr17:42,564,781, A>G. VCF-style: chr17-42564781-A-G. GRCh37 (hg19) VCF-style: chr17-40716799-A-G.
Other names: c.1120A>G, p.Ile374Val (NM_001042529.3); c.1207A>G, p.Ile403Val (NM_001042532.4); short protein forms I374V, I403V.
Identifiers: ClinVar variation 2064885 (VCV002064885.4), dbSNP rs747577673, ClinGen allele CA8578205.
Genomic context (GRCh38, chr17:42,564,781, plus strand): 5'-CTCCCCACATGTCTCTATGTAATTGGGCTGACTGGCATCAGTGGCTCTGGGAAGAGCTCA[A>G]TAGCTCAGCGACTGAAGGGCCTGGGGGCGTTTGTCATTGACAGTGACCACCTGGGTCATC-3'
Protein context (NP_079509.5, residues 364-384): TGISGSGKSS[Ile374Val]AQRLKGLGAF